The following is an entry in ClinVar:

ClinVar aggregate classification (germline): Uncertain significance (1 of 4 stars; one submission).

Conditions:
Combined immunodeficiency due to LRBA deficiency. Also called: Common variable immunodeficiency 8, with autoimmunity. Identifiers: Orphanet 445018, MedGen C3553512, MONDO:0013863, OMIM 614700.

gnomAD v4.1: 13 of 1,610,534 alleles (0.00081%); highest among the groups gnomAD compares: Non-Finnish European, 0.00093%; no homozygotes.

Submission:

Labcorp Genetics (formerly Invitae), Labcorp
Classification: Uncertain significance for Combined immunodeficiency due to LRBA deficiency. Last evaluated: 2025-12-31. Review status: criteria provided, single submitter. Criteria: Invitae Variant Classification Sherloc (09022015). Collection method: clinical testing. Allele origin: germline.
Comment: This sequence change replaces arginine, which is basic and polar, with histidine, which is basic and polar, at codon 1812 of the LRBA protein (p.Arg1812His). This variant is present in population databases (rs770711457, gnomAD 0.004%). This variant has not been reported in the literature in individuals affected with LRBA-related conditions. Invitae Evidence Modeling of protein sequence and biophysical properties (such as structural, functional, and spatial information, amino acid conservation, physicochemical variation, residue mobility, and thermodynamic stability) has been performed for this missense variant. However, the output from this modeling did not meet the statistical confidence thresholds required to predict the impact of this variant on LRBA protein function. In summary, the available evidence is currently insufficient to determine the role of this variant in disease. Therefore, it has been classified as a Variant of Uncertain Significance.

NM_001364905.1(LRBA):c.5435G>A (p.Arg1812His)

Gene: LRBA (LPS responsive beige-like anchor protein; minus strand). Cytogenetic location: 4q31.3.
Variant type: single nucleotide variant.
Coding change: c.5435G>A on transcript NM_001364905.1 (MANE Select); coding-DNA position 5435, G replaced by A.
Protein change: p.Arg1812His; replaces arginine 1812 with histidine.
Molecular consequence: missense variant.
Genome position (GRCh38, 1-based): chr4:150,806,354, C>T on the plus strand (G>A on the coding strand, the complement: LRBA is on the minus strand). VCF-style: chr4-150806354-C-T. GRCh37 (hg19) VCF-style: chr4-151727506-C-T.
Other names: c.5435G>A, p.Arg1812His (NM_001199282.3, NM_001367550.1, NM_001440430.1 and 2 more transcripts); short protein forms R1812H.
Identifiers: ClinVar variation 4766845 (VCV004766845.1).